The following is an entry in ClinVar:

ClinVar aggregate classification (germline): Uncertain significance. Review status: criteria provided, multiple submitters, no conflicts (2 of 4 stars). 2 submissions from 2 submitters: Uncertain significance (2). Last evaluated 2024-07-02.

Submissions (2):

Mayo Clinic Laboratories, Mayo Clinic
Classification: Uncertain significance. Last evaluated: 2024-07-02. Review status: criteria provided, single submitter. Criteria: ACMG Guidelines, 2015. Collection method: clinical testing. Allele origin: germline. Observed: 2 variant alleles.
Comment: PM2

GeneDx
Classification: Uncertain significance. Last evaluated: 2024-03-27. Review status: criteria provided, single submitter. Criteria: GeneDx Variant Classification Process June 2021. Collection method: clinical testing. Allele origin: germline. Affected: yes.
Comment: In silico analysis supports that this missense variant does not alter protein structure/function; Has not been previously published as pathogenic or benign to our knowledge

NM_001099857.5(IKBKG):c.619C>A (p.Gln207Lys)

Gene: IKBKG (inhibitor of nuclear factor kappa B kinase regulatory subunit gamma; plus strand). Cytogenetic location: Xq28.
Variant type: single nucleotide variant.
Coding change: c.619C>A on transcript NM_001099857.5 (MANE Select); coding-DNA position 619, C replaced by A.
Protein change: p.Gln207Lys; replaces glutamine 207 with lysine.
Molecular consequence: missense variant. On other transcripts: intron variant (3).
Genome position (GRCh38, 1-based): chrX:154,560,507, C>A. VCF-style: chrX-154560507-C-A. GRCh37 (hg19) VCF-style: chrX-153788722-C-A.
Other names: p.Gln207Lys; c.823C>A, p.Gln275Lys (NM_001099856.6); c.619C>A, p.Gln207Lys (NM_001321396.3, NM_001377312.1, NM_003639.4); c.616C>A, p.Gln206Lys (NM_001321397.3, NM_001377313.1); c.519-1181C>A (NM_001145255.4); c.516-1181C>A (NM_001377314.1); c.400-2303C>A (NM_001377315.1); c.619C>A (NM_001099857.3); short protein forms Q206K, Q207K, Q275K.
Identifiers: ClinVar variation 3343526 (VCV003343526.2).